The following is an entry in ClinVar:

NM_006231.4(POLE):c.1741G>A (p.Ala581Thr)

Gene: POLE (DNA polymerase epsilon, catalytic subunit; minus strand). Cytogenetic location: 12q24.33.
Variant type: single nucleotide variant.
Coding change: c.1741G>A on transcript NM_006231.4 (MANE Select); coding-DNA position 1741, G replaced by A.
Protein change: p.Ala581Thr; replaces alanine 581 with threonine.
Molecular consequence: missense variant.
Genome position (GRCh38, 1-based): chr12:132,672,268, C>T on the plus strand (G>A on the coding strand, the complement: POLE is on the minus strand). VCF-style: chr12-132672268-C-T. GRCh37 (hg19) VCF-style: chr12-133248854-C-T.
Other names: c.1741G>A (NM_006231.2); short protein forms A581T.
Identifiers: ClinVar variation 473481 (VCV000473481.13), dbSNP rs755090755, ClinGen allele CA246292918.
Genomic context (GRCh38, chr12:132,672,268, plus strand): 5'-TGGTTACCTCTTCAAAGTTGGTGACTTGCTCCACAGGCACTTTCTCCTCTTCCTCAAGGG[C>T]GTGGCGCAAGGTCTTCTCAACCCGCTGCAGCAGGAAGTCAAAGGCGGCAGGATTCTAGCA-3'
Protein context (NP_006222.2, residues 571-591): LQRVEKTLRH[Ala581Thr]LEEEEKVPVE

ClinVar aggregate classification (germline): Uncertain significance. Review status: criteria provided, multiple submitters, no conflicts (2 of 4 stars). 3 submissions from 3 submitters: Uncertain significance (3). Last evaluated 2025-09-07.

Conditions:
Hereditary cancer-predisposing syndrome. Also called: Neoplastic Syndromes, Hereditary; Tumor predisposition; Hereditary Cancer Syndrome; Hereditary neoplastic syndrome. Identifiers: Orphanet 140162, MedGen C0027672, MeSH D009386, MONDO:0015356.

Allele frequency attached by ClinVar (database versions not stated): TOPMed 0.00002.
gnomAD v4.1: 11 of 1,614,076 alleles (0.00068%); highest among the groups gnomAD compares: East Asian, 0.0045%; no homozygotes.

Submissions (3):

Labcorp Genetics (formerly Invitae), Labcorp
Classification: Uncertain significance. Last evaluated: 2025-09-07. Review status: criteria provided, single submitter. Criteria: Invitae Variant Classification Sherloc (09022015). Collection method: clinical testing. Allele origin: germline.
Comment: This sequence change replaces alanine, which is neutral and non-polar, with threonine, which is neutral and polar, at codon 581 of the POLE protein (p.Ala581Thr). This variant is not present in population databases (gnomAD no frequency). This variant has not been reported in the literature in individuals affected with POLE-related conditions. ClinVar contains an entry for this variant (Variation ID: 473481). Invitae Evidence Modeling of protein sequence and biophysical properties (such as structural, functional, and spatial information, amino acid conservation, physicochemical variation, residue mobility, and thermodynamic stability) indicates that this missense variant is not expected to disrupt POLE protein function with a negative predictive value of 80%. In summary, the available evidence is currently insufficient to determine the role of this variant in disease. Therefore, it has been classified as a Variant of Uncertain Significance.

Ambry Genetics
Classification: Uncertain significance for Hereditary cancer-predisposing syndrome. Last evaluated: 2025-01-20. Review status: criteria provided, single submitter. Criteria: Ambry Variant Classification Scheme 2023. Collection method: clinical testing. Allele origin: germline.
Comment: The p.A581T variant (also known as c.1741G>A), located in coding exon 16 of the POLE gene, results from a G to A substitution at nucleotide position 1741. The alanine at codon 581 is replaced by threonine, an amino acid with similar properties. This amino acid position is highly conserved in available vertebrate species. In addition, this alteration is predicted to be tolerated by in silico analysis. Based on the available evidence, the clinical significance of this variant remains unclear.

Quest Diagnostics Nichols Institute San Juan Capistrano
Classification: Uncertain significance. Last evaluated: 2019-09-21. Review status: criteria provided, single submitter. Criteria: Quest Diagnostics criteria. Collection method: clinical testing. Allele origin: unknown.